The following is an entry in ClinVar:

NM_020765.3(UBR4):c.15325-4G>T

Gene: UBR4 (ubiquitin protein ligase E3 component n-recognin 4; minus strand). Cytogenetic location: 1p36.13.
Variant type: single nucleotide variant.
Coding change: c.15325-4G>T on transcript NM_020765.3 (MANE Select); 4 bases into the intron before coding-DNA position 15325, G replaced by T.
Molecular consequence: intron variant.
Genome position (GRCh38, 1-based): chr1:19,076,906, C>A on the plus strand (G>T on the coding strand, the complement: UBR4 is on the minus strand). VCF-style: chr1-19076906-C-A. GRCh37 (hg19) VCF-style: chr1-19403400-C-A.
Other names: NC_000001.10:g.19403400C>A.
Identifiers: ClinVar variation 3050405 (VCV003050405.3), dbSNP rs184748537, ClinGen allele CA647857.

ClinVar aggregate classification (germline): Benign (0 of 4 stars; one submission).

Conditions:
UBR4-related disorder. Also called: UBR4-related condition.

Allele frequency attached by ClinVar (database versions not stated): 1000 Genomes Project 30x 0.00031; 1000 Genomes Project 0.00040; ESP Exome Variant Server 0.00200.
gnomAD v4.1: 342 of 1,545,524 alleles (0.022%); highest among the groups gnomAD compares: African/African-American, 0.45%; 3 homozygotes.

Submissions (4):

PreventionGenetics, part of Exact Sciences
Classification: Benign for UBR4-related condition. Last evaluated: 2019-09-17. Review status: no assertion criteria provided. Collection method: clinical testing. Allele origin: germline.
Comment: This variant is classified as benign based on ACMG/AMP sequence variant interpretation guidelines (Richards et al. 2015 PMID: 25741868, with internal and published modifications).

Dr. Peter K. Rogan Lab, Western University
No classification provided (evidence only). Condition: Familial cancer of breast. Review status: no classification provided. Collection method: in vitro. Allele origin: not applicable. Functional consequence: cryptic splice site, retained intron. Not counted in ClinVar's aggregate classification.

Dr. Peter K. Rogan Lab, Western University
No classification provided (evidence only). Condition: Acute myeloid leukemia. Review status: no classification provided. Collection method: in vitro. Allele origin: not applicable. Functional consequence: retained intron. Not counted in ClinVar's aggregate classification.

Dr. Peter K. Rogan Lab, Western University
No classification provided (evidence only). Condition: Uterine carcinosarcoma. Review status: no classification provided. Collection method: in vitro. Allele origin: not applicable. Functional consequence: cryptic splice site. Not counted in ClinVar's aggregate classification.